The following is an entry in ClinVar:

ClinVar aggregate classification (germline): Uncertain significance (1 of 4 stars; one submission).

Allele frequency attached by ClinVar (database versions not stated): gnomAD exomes below 0.00001; ExAC 0.00001.

Submission:

Labcorp Genetics (formerly Invitae), Labcorp
Classification: Uncertain significance. Last evaluated: 2023-05-21. Review status: criteria provided, single submitter. Criteria: Invitae Variant Classification Sherloc (09022015). Collection method: clinical testing. Allele origin: germline.
Comment: ClinVar contains an entry for this variant (Variation ID: 1392220). An algorithm developed to predict the effect of missense changes on protein structure and function (PolyPhen-2) suggests that this variant is likely to be disruptive. This sequence change replaces arginine, which is basic and polar, with lysine, which is basic and polar, at codon 513 of the ADGRA3 protein (p.Arg513Lys). This variant is present in population databases (rs771450752, gnomAD 0.0009%). This variant has not been reported in the literature in individuals affected with ADGRA3-related conditions. In summary, the available evidence is currently insufficient to determine the role of this variant in disease. Therefore, it has been classified as a Variant of Uncertain Significance.

NM_145290.4(ADGRA3):c.1538G>A (p.Arg513Lys)

Gene: ADGRA3 (adhesion G protein-coupled receptor A3; minus strand). Cytogenetic location: 4p15.2.
Variant type: single nucleotide variant.
Coding change: c.1538G>A on transcript NM_145290.4 (MANE Select); coding-DNA position 1538, G replaced by A.
Protein change: p.Arg513Lys; replaces arginine 513 with lysine.
Molecular consequence: missense variant.
Genome position (GRCh38, 1-based): chr4:22,424,258, C>T on the plus strand (G>A on the coding strand, the complement: ADGRA3 is on the minus strand). VCF-style: chr4-22424258-C-T. GRCh37 (hg19) VCF-style: chr4-22425881-C-T.
Other names: short protein forms R513K.
Identifiers: ClinVar variation 1392220 (VCV001392220.6), dbSNP rs771450752, ClinGen allele CA2873926.